The following is an entry in ClinVar:

NM_015978.3(TNNI3K):c.1760G>C (p.Arg587Pro)

Genes: FPGT-TNNI3K (FPGT-TNNI3K readthrough; plus strand), TNNI3K (TNNI3 interacting kinase; plus strand). Cytogenetic location: 1p31.1.
Variant type: single nucleotide variant.
Coding change: c.1760G>C on transcript NM_015978.3 (MANE Select); coding-DNA position 1760, G replaced by C.
Protein change: p.Arg587Pro; replaces arginine 587 with proline.
Molecular consequence: missense variant.
Genome position (GRCh38, 1-based): chr1:74,370,380, G>C. VCF-style: chr1-74370380-G-C. GRCh37 (hg19) VCF-style: chr1-74836064-G-C.
Other names: c.2063G>C, p.Arg688Pro (NM_001112808.3, NM_001199327.2); short protein forms R688P, R587P.
Identifiers: ClinVar variation 3700752 (VCV003700752.2).
Genomic context (GRCh38, chr1:74,370,380, plus strand): 5'-CAGTAGATGTTGCCAAAGGCATGGAGTACCTTCACAACCTGACACAGCCAATTATACATC[G>C]TGACTTGAACAGGTATTTTTTTCCTAAATAATGAACTCAGAAGGGTATGACTAACTGGGA-3'
Protein context (NP_057062.1, residues 577-597): LHNLTQPIIH[Arg587Pro]DLNSHNILLY

ClinVar aggregate classification (germline): Uncertain significance (1 of 4 stars; one submission).

Submission:

Labcorp Genetics (formerly Invitae), Labcorp
Classification: Uncertain significance. Last evaluated: 2024-05-23. Review status: criteria provided, single submitter. Criteria: Invitae Variant Classification Sherloc (09022015). Collection method: clinical testing. Allele origin: germline.
Comment: This sequence change replaces arginine, which is basic and polar, with proline, which is neutral and non-polar, at codon 587 of the TNNI3K protein (p.Arg587Pro). This variant is not present in population databases (gnomAD no frequency). This variant has not been reported in the literature in individuals affected with TNNI3K-related conditions. Advanced modeling of protein sequence and biophysical properties (such as structural, functional, and spatial information, amino acid conservation, physicochemical variation, residue mobility, and thermodynamic stability) performed at Invitae indicates that this missense variant is expected to disrupt TNNI3K protein function with a positive predictive value of 80%. In summary, the available evidence is currently insufficient to determine the role of this variant in disease. Therefore, it has been classified as a Variant of Uncertain Significance.